The following is an entry in ClinVar:

ClinVar aggregate classification (germline): Likely pathogenic (1 of 4 stars; one submission).

Submission:

Dasa
Classification: Likely pathogenic. Last evaluated: 2025-04-28. Review status: criteria provided, single submitter. Criteria: DASA Assertion Criteria. Collection method: clinical testing. Allele origin: germline.
Comment: NM_000098.3(CPT2):c.414_418delinsATACTCAGAT (p.Asn138Lysfs*20) is a frameshift variant in CPT2 predicted to alter the reading frame and introduce a premature termination codon and is predicted to result in an absent or altered protein product. Loss of function is an established disease mechanism for CPT2-associated disorders. Also, this variant is absent from population databases. Based on the currently available evidence, this variant is classified as likely pathogenic.

NM_000098.3(CPT2):c.414_418delinsATACTCAGAT (p.Asn138fs)

Gene: CPT2 (carnitine palmitoyltransferase 2; plus strand). Cytogenetic location: 1p32.3.
Variant type: Indel.
Coding change: c.414_418delinsATACTCAGAT on transcript NM_000098.3 (MANE Select); coding-DNA positions 414 to 418, TCCTG replaced by ATACTCAGAT.
Protein change: p.Asn138fs; shifts the reading frame from asparagine 138.
Molecular consequence: frameshift variant.
Genome position (GRCh38, 1-based): chr1:53,210,088-53,210,092, TCCTG replaced by ATACTCAGAT. VCF-style: chr1-53210088-TCCTG-ATACTCAGAT. GRCh37 (hg19) VCF-style: chr1-53675760-TCCTG-ATACTCAGAT.
Other names: c.414_418delinsATACTCAGAT, p.Asn138fs (NM_001330589.2); short protein forms N138fs.
Identifiers: ClinVar variation 4880798 (VCV004880798.2).